The following is an entry in ClinVar:

NM_001278116.2(L1CAM):c.551G>A (p.Arg184Gln)

Gene: L1CAM (L1 cell adhesion molecule; minus strand). Cytogenetic location: Xq28.
Variant type: single nucleotide variant.
Coding change: c.551G>A on transcript NM_001278116.2 (MANE Select); coding-DNA position 551, G replaced by A.
Protein change: p.Arg184Gln; replaces arginine 184 with glutamine.
Molecular consequence: missense variant.
Genome position (GRCh38, 1-based): chrX:153,870,933, C>T on the plus strand (G>A on the coding strand, the complement: L1CAM is on the minus strand). VCF-style: chrX-153870933-C-T. GRCh37 (hg19) VCF-style: chrX-153136388-C-T.
Other names: L1CAM, ARG184GLN; c.551G>A, p.Arg184Gln (NM_000425.5, NM_024003.3); c.536G>A, p.Arg179Gln (NM_001143963.2); short protein forms R184Q, R179Q.
Identifiers: ClinVar variation 9991 (VCV000009991.9), dbSNP rs137852521, ClinGen allele CA254959.
Genomic context (GRCh38, chrX:153,870,933, plus strand): 5'-TGGTTGTCGGAGGTGAGCACATTGGCAAAGTAGAGGTTGCCGTTCTGGCCCATCGTCACC[C>T]GCTCGTCCTGCTTGATGTGCAAGATCTCTGCAGGGGGCAAGGAGGCCGAAGTCATGACCC-3'
Protein context (NP_001265045.1, residues 174-194): SKILHIKQDE[Arg184Gln]VTMGQNGNLY

ClinVar aggregate classification (germline): Pathogenic. Review status: criteria provided, multiple submitters, no conflicts (2 of 4 stars). 6 submissions from 6 submitters: Pathogenic (5). 1 of the submissions does not count toward it. Last evaluated 2024-09-30.

Conditions:
L1CAM-related disorders.
Inborn genetic diseases. Identifiers: MedGen C0950123, MeSH D030342.
Spastic paraplegia. Identifiers: MedGen C0037772, HP:0001258.
L1 syndrome. Identifiers: Orphanet 275543, MedGen C5779710, MONDO:0017140.
X-linked hydrocephalus syndrome (HYCX). Also called: X-Linked Hydrocephalus with Stenosis of the Aqueduct of Sylvius; X-Linked Hydrocephalus with Stenosis of the Aqueduct of Sylvius (HSAS); HYDROCEPHALUS, CONGENITAL, X-LINKED; AQUEDUCTAL STENOSIS, X-LINKED; X-linked hydrocephalus. Identifiers: Orphanet 2182, MedGen C0265216, MONDO:0010611, OMIM 307000.

Submissions (6):

Blueprint Genetics
Classification: Pathogenic for L1CAM-related disorders. Last evaluated: 2024-09-30. Review status: criteria provided, single submitter. Criteria: ACMG Guidelines, 2015. Collection method: clinical testing. Allele origin: germline. Affected: yes. Observed: 2 variant alleles.

Labcorp Genetics (formerly Invitae), Labcorp
Classification: Pathogenic for Spastic paraplegia. Last evaluated: 2023-06-05. Review status: criteria provided, single submitter. Criteria: Invitae Variant Classification Sherloc (09022015). Collection method: clinical testing. Allele origin: germline.
Comment: For these reasons, this variant has been classified as Pathogenic. This variant disrupts the p.Arg184 amino acid residue in L1CAM. Other variant(s) that disrupt this residue have been determined to be pathogenic (PMID: 8826452, 10632110; Invitae). This suggests that this residue is clinically significant, and that variants that disrupt this residue are likely to be disease-causing. Experimental studies have shown that this missense change affects L1CAM function (PMID: 20621658). Advanced modeling of protein sequence and biophysical properties (such as structural, functional, and spatial information, amino acid conservation, physicochemical variation, residue mobility, and thermodynamic stability) performed at Invitae indicates that this missense variant is expected to disrupt L1CAM protein function. ClinVar contains an entry for this variant (Variation ID: 9991). This missense change has been observed in individuals with clinical features of L1CAM-related conditions (PMID: 9195224, 32416898, 34510796). This variant is not present in population databases (gnomAD no frequency). This sequence change replaces arginine, which is basic and polar, with glutamine, which is neutral and polar, at codon 184 of the L1CAM protein (p.Arg184Gln).

Women's Health and Genetics/Laboratory Corporation of America, LabCorp
Classification: Pathogenic for L1 syndrome. Last evaluated: 2022-01-20. Review status: criteria provided, single submitter. Criteria: LabCorp Variant Classification Summary - May 2015. Collection method: clinical testing. Allele origin: germline.
Comment: Variant summary: L1CAM c.551G>A (p.Arg184Gln) results in a conservative amino acid change in the encoded protein sequence. Two of three in-silico tools predict a damaging effect of the variant on protein function. The variant was absent in 183331 control chromosomes. c.551G>A has been reported in the literature in individuals affected with L1 Syndrome (hydrocephalus, e.g. Jouet_1994, Li_2020). These data indicate that the variant may be associated with disease. At least one publication reports experimental evidence evaluating an impact on protein function. The most pronounced variant effect results in <10% of normal activity (e.g. Moulding_2000, Kudumala_2013). No clinical diagnostic laboratories have submitted clinical-significance assessments for this variant to ClinVar after 2014. Based on the evidence outlined above, the variant was classified as pathogenic.

Ambry Genetics
Classification: Pathogenic for Inborn genetic diseases. Last evaluated: 2020-05-22. Review status: criteria provided, single submitter. Criteria: Ambry Variant Classification Scheme 2023. Collection method: clinical testing. Allele origin: germline.
Comment: The p.R184Q pathogenic mutation (also known as c.551G>A), located in coding exon 6 of the L1CAM gene, results from a G to A substitution at nucleotide position 551. The arginine at codon 184 is replaced by glutamine, an amino acid with highly similar properties. This mutation has been described in numerous individuals with hydrocephalus or ventriculomegaly plus additional features including mental retardation, spastic paraplegia/shuffling gait, aphasia, and thumb deformities, with most individuals experiencing death within 1 year of birth (Moulding HD et al. J. Neurosci., 2000 Aug;20:5696-702; De Angelis E et al. EMBO J., 1999 Sep;18:4744-53). In addition, this mutation has been observed to result in impaired protein trafficking and ligand binding (Moulding HD et al. J. Neurosci., 2000 Aug;20:5696-702; Itoh K et al. J. Neurosci. Res., 2011 Oct;89:1637-45). Based on the supporting evidence, this alteration is interpreted as a disease-causing mutation.

Neuberg Centre For Genomic Medicine, NCGM
Classification: Pathogenic for X-linked hydrocephalus syndrome. Review status: criteria provided, single submitter. Criteria: ACMG Guidelines, 2015. Collection method: clinical testing. Allele origin: germline. Inheritance: X-linked recessive inheritance. Affected: yes.

OMIM
Classification: Pathogenic for HYDROCEPHALUS, CONGENITAL, X-LINKED. Last evaluated: 1994-07-01. Review status: no assertion criteria provided. Collection method: literature only. Allele origin: germline. Not counted in ClinVar's aggregate classification.

Literature cited by the submitters: PubMed 8826452 (cited by Labcorp Genetics (formerly Invitae), Labcorp); PubMed 10632110 (cited by Labcorp Genetics (formerly Invitae), Labcorp); PubMed 20621658 (cited by Labcorp Genetics (formerly Invitae), Labcorp and Ambry Genetics); PubMed 9195224 (cited by Labcorp Genetics (formerly Invitae), Labcorp); PubMed 32416898 (cited by Labcorp Genetics (formerly Invitae), Labcorp and Women's Health and Genetics/Laboratory Corporation of America, LabCorp); PubMed 34510796 (cited by Labcorp Genetics (formerly Invitae), Labcorp); PubMed 7920659 (cited by Women's Health and Genetics/Laboratory Corporation of America, LabCorp and OMIM); PubMed 24155914 (cited by Women's Health and Genetics/Laboratory Corporation of America, LabCorp); PubMed 10908608 (cited by Women's Health and Genetics/Laboratory Corporation of America, LabCorp and Ambry Genetics); PubMed 10469653 (cited by Ambry Genetics); PubMed 21688291 (cited by Ambry Genetics); PubMed 18136715 (cited by OMIM); PubMed 13889294 (cited by OMIM).